The following is an entry in ClinVar:

NM_001243279.3(ACSF3):c.845C>G (p.Ser282Cys)

Gene: ACSF3 (acyl-CoA synthetase family member 3; plus strand). Cytogenetic location: 16q24.3.
Variant type: single nucleotide variant.
Coding change: c.845C>G on transcript NM_001243279.3 (MANE Select); coding-DNA position 845, C replaced by G.
Protein change: p.Ser282Cys; replaces serine 282 with cysteine.
Molecular consequence: missense variant. On other transcripts: non-coding transcript variant (3).
Genome position (GRCh38, 1-based): chr16:89,112,114, C>G. VCF-style: chr16-89112114-C-G. GRCh37 (hg19) VCF-style: chr16-89178522-C-G.
Other names: c.845C>G, p.Ser282Cys (NM_001127214.4, NM_174917.5); c.50C>G, p.Ser17Cys (NM_001284316.2); short protein forms S282C, S17C.
Identifiers: ClinVar variation 2060578 (VCV002060578.1), dbSNP rs777750370, ClinGen allele CA8237860.
Genomic context (GRCh38, chr16:89,112,114, plus strand): 5'-TGCTCATCTTCCTACCGAGTGCTTCCTTTCCTTCGTAGGTTTGGGAAAAGTTCTTAAGTT[C>G]TGAAACGCCGCGGATCAATGTCTTTATGGCAGTGCCTACAATATACACCAAGCTGATGGA-3'
Protein context (NP_001230208.1, residues 272-292): PQQVWEKFLS[Ser282Cys]ETPRINVFMA

ClinVar aggregate classification (germline): Uncertain significance (1 of 4 stars; one submission).

Conditions:
Combined malonic and methylmalonic acidemia. Identifiers: Orphanet 289504, MedGen C3280314, MONDO:0013661, OMIM 614265.

Allele frequency attached by ClinVar (database versions not stated): ExAC 0.00001; gnomAD 0.00001.
gnomAD v4.1: 25 of 1,614,048 alleles (0.0015%); highest among the groups gnomAD compares: Non-Finnish European, 0.0021%; no homozygotes.

Submission:

Labcorp Genetics (formerly Invitae), Labcorp
Classification: Uncertain significance for Combined malonic and methylmalonic acidemia. Last evaluated: 2021-09-30. Review status: criteria provided, single submitter. Criteria: Invitae Variant Classification Sherloc (09022015). Collection method: clinical testing. Allele origin: germline.
Comment: This sequence change replaces serine with cysteine at codon 282 of the ACSF3 protein (p.Ser282Cys). The serine residue is moderately conserved and there is a moderate physicochemical difference between serine and cysteine. This variant is present in population databases (rs777750370, ExAC 0.001%). This variant has not been reported in the literature in individuals with ACSF3-related conditions. Algorithms developed to predict the effect of missense changes on protein structure and function output the following: SIFT: "Tolerated"; PolyPhen-2: "Benign"; Align-GVGD: "Class C0". The cysteine amino acid residue is found in multiple mammalian species, suggesting that this missense change does not adversely affect protein function. These predictions have not been confirmed by published functional studies and their clinical significance is uncertain. In summary, the available evidence is currently insufficient to determine the role of this variant in disease. Therefore, it has been classified as a Variant of Uncertain Significance.